The following is an entry in ClinVar:

NM_001033046.4(CYBC1):c.439C>T (p.Arg147Cys)

Gene: CYBC1 (cytochrome b-245 chaperone 1; minus strand). Cytogenetic location: 17q25.3.
Variant type: single nucleotide variant.
Coding change: c.439C>T on transcript NM_001033046.4 (MANE Select); coding-DNA position 439, C replaced by T.
Protein change: p.Arg147Cys; replaces arginine 147 with cysteine.
Molecular consequence: missense variant. On other transcripts: non-coding transcript variant (4).
Genome position (GRCh38, 1-based): chr17:82,444,451, G>A on the plus strand (C>T on the coding strand, the complement: CYBC1 is on the minus strand). VCF-style: chr17-82444451-G-A. GRCh37 (hg19) VCF-style: chr17-80402327-G-A.
Other names: p.Arg147Cys; c.439C>T, p.Arg147Cys (NM_001100407.3, NM_001193653.2, NM_001193654.2 and 2 more transcripts); c.397C>T, p.Arg133Cys (NM_001100408.3); short protein forms R147C, R133C.
Identifiers: ClinVar variation 1932862 (VCV001932862.4), dbSNP rs150870793, ClinGen allele CA8858204.

ClinVar aggregate classification (germline): Uncertain significance. Review status: criteria provided, multiple submitters, no conflicts (2 of 4 stars). 3 submissions from 3 submitters: Uncertain significance (3). Last evaluated 2025-07-07.

Allele frequency attached by ClinVar (database versions not stated): gnomAD 0.00001; gnomAD exomes 0.00002; TOPMed 0.00002; ExAC 0.00003; ESP Exome Variant Server 0.00008.
gnomAD v4.1: 23 of 1,606,118 alleles (0.0014%); highest among the groups gnomAD compares: Middle Eastern, 0.017%; no homozygotes.

Submissions (3):

Mayo Clinic Laboratories, Mayo Clinic
Classification: Uncertain significance. Last evaluated: 2025-07-07. Review status: criteria provided, single submitter. Criteria: ACMG Guidelines, 2015. Collection method: clinical testing. Allele origin: germline. Observed: 1 variant allele.
Comment: BP4, PM2_supporting

Blueprint Genetics
Classification: Uncertain significance. Last evaluated: 2024-03-20. Review status: criteria provided, single submitter. Criteria: ACMG Guidelines, 2015. Collection method: clinical testing. Allele origin: germline.

Labcorp Genetics (formerly Invitae), Labcorp
Classification: Uncertain significance. Last evaluated: 2022-08-21. Review status: criteria provided, single submitter. Criteria: Invitae Variant Classification Sherloc (09022015). Collection method: clinical testing. Allele origin: germline.
Comment: This sequence change replaces arginine, which is basic and polar, with cysteine, which is neutral and slightly polar, at codon 147 of the C17orf62 protein (p.Arg147Cys). This variant is present in population databases (rs150870793, gnomAD 0.005%). This variant has not been reported in the literature in individuals affected with C17orf62-related conditions. Algorithms developed to predict the effect of missense changes on protein structure and function (SIFT, PolyPhen-2, Align-GVGD) all suggest that this variant is likely to be disruptive. In summary, the available evidence is currently insufficient to determine the role of this variant in disease. Therefore, it has been classified as a Variant of Uncertain Significance.